The following is an entry in ClinVar:

NM_001042492.3(NF1):c.7394A>G (p.Asp2465Gly)

Gene: NF1 (neurofibromin 1; plus strand). Cytogenetic location: 17q11.2.
Variant type: single nucleotide variant.
Coding change: c.7394A>G on transcript NM_001042492.3 (MANE Select); coding-DNA position 7394, A replaced by G.
Protein change: p.Asp2465Gly; replaces aspartic acid 2465 with glycine.
Molecular consequence: missense variant.
Genome position (GRCh38, 1-based): chr17:31,350,255, A>G. VCF-style: chr17-31350255-A-G. GRCh37 (hg19) VCF-style: chr17-29677273-A-G.
Other names: c.7331A>G, p.Asp2444Gly (NM_000267.4); short protein forms D2444G, D2465G.
Identifiers: ClinVar variation 41677 (VCV000041677.15), dbSNP rs143474365, ClinGen allele CA195510.

ClinVar aggregate classification (germline): Conflicting classifications of pathogenicity. Review status: criteria provided, conflicting classifications (1 of 4 stars). 5 submissions from 4 submitters: Uncertain significance (2); Benign (1); Likely benign (1). 1 of the submissions does not count toward it. Last evaluated 2025-12-14.

Conditions:
Cardiovascular phenotype. Identifiers: MedGen CN230736.
Hereditary cancer-predisposing syndrome. Also called: Tumor predisposition; Neoplastic Syndromes, Hereditary; Hereditary neoplastic syndrome; Hereditary Cancer Syndrome. Identifiers: Orphanet 140162, MedGen C0027672, MeSH D009386, MONDO:0015356.
Neurofibromatosis, type 1 (NF1). Also called: VON RECKLINGHAUSEN DISEASE; NEUROFIBROMATOSIS, TYPE I, SOMATIC; Peripheral type neurofibromatosis; Neurofibromatosis, type I. Identifiers: Orphanet 636, MedGen C0027831, MONDO:0018975, OMIM 162200. Disease mechanism: loss of function.

Allele frequency attached by ClinVar (database versions not stated): ExAC 0.00001; gnomAD 0.00001; gnomAD exomes 0.00001 and 0.00002; TOPMed 0.00001; ESP Exome Variant Server 0.00008.
gnomAD v4.1: 36 of 1,613,528 alleles (0.0022%); highest among the groups gnomAD compares: Non-Finnish European, 0.0027%; no homozygotes.

Submissions (5):

Labcorp Genetics (formerly Invitae), Labcorp
Classification: Benign for Neurofibromatosis, type 1. Last evaluated: 2025-12-14. Review status: criteria provided, single submitter. Criteria: Invitae Variant Classification Sherloc (09022015). Collection method: clinical testing. Allele origin: germline.

Genome-Nilou Lab
Classification: Uncertain significance for Neurofibromatosis, type 1. Last evaluated: 2022-03-15. Review status: criteria provided, single submitter. Criteria: ACMG Guidelines, 2015. Collection method: clinical testing. Allele origin: germline. Affected: no.

Ambry Genetics
Classification: Likely benign for Cardiovascular phenotype; Hereditary cancer-predisposing syndrome. Last evaluated: 2018-03-02. Review status: criteria provided, single submitter. Criteria: Ambry Variant Classification Scheme 2023. Collection method: clinical testing. Allele origin: germline.

Ambry Genetics
Classification: Uncertain significance for Hereditary cancer-predisposing syndrome. Last evaluated: 2015-05-04. Review status: criteria provided, single submitter. Criteria: Ambry Autosomal Dominant and X-Linked criteria (10/2015). Collection method: clinical testing. Allele origin: germline. Observed: 1 variant allele.
Comment: Ã¢â‚¬â€¹<span style="background-color:initial">Thep.D2465G<span style="background-color:initial"> variant (also known as c.7394A>G), located in coding exon 50 of theNF1<span style="background-color:initial"> gene, results from an A to G substitution at nucleotide position 7394. The aspartic acid at codon 2465 is replaced by glycine, an amino acid with similar properties. This alteration was previously reported and classified as a variant of uncertain significance in 1/572 individuals undergoing exome sequencing due to an atherosclerosis phenotype. This cohort was not selected based on a personal or family history of cancer (Johnston JJ, Am. J. Hum. Genet<span style="background-color:initial">. 2012 Jul; 91(1):97-108). This alteration is also known as c.7331A>G or p.D2444G in the literature due to differences in isoform. This variant was previously reported in the SNPDatabase as rs143474365. Based on data from the NHLBI Exome Sequencing Project (ESP), the G allele has an overall frequency of approximately 0.01% (1/13006) total alleles studied, having been detected in 0.01% (1/8600) European American alleles.<span style="background-color:initial">This variant was not reported in the 1000 Genomes Project population-based cohort.<span style="background-color:initial">To date, this alteration has been detected with an allele frequency of approximately 0.01% (greater than 55000 alleles tested) in our clinical cohort. This amino acid position is highly conserved in available vertebrate species. In addition, this alteration is predicted to be benign and tolerated by PolyPhen and SIFTin silico<span style="background-color:initial"> analyses, respectively. Since supporting evidence is limited at this time, the clinical significance of p.D2465G remains unclear.

Biesecker Lab/Clinical Genomics Section, National Institutes of Health
Classification: Uncertain significance. Last evaluated: 2012-07-13. Review status: no assertion criteria provided. Collection method: research. Allele origin: germline. Affected: no. Observed: 1 variant allele. Study: ClinSeq. Not counted in ClinVar's aggregate classification.
ClinVar note: Converted during submission from variant of unknown significance to Uncertain significance.